The following is an entry in ClinVar:

ClinVar aggregate classification (germline): Uncertain significance (1 of 4 stars; one submission).

Conditions:
Hereditary cancer-predisposing syndrome. Also called: Hereditary Cancer Syndrome; Neoplastic Syndromes, Hereditary; Tumor predisposition; Hereditary neoplastic syndrome. Identifiers: Orphanet 140162, MedGen C0027672, MeSH D009386, MONDO:0015356.

Submission:

Ambry Genetics
Classification: Uncertain significance for Hereditary cancer-predisposing syndrome. Last evaluated: 2026-09-06. Review status: criteria provided, single submitter. Criteria: Ambry Variant Classification Scheme 2023. Collection method: clinical testing. Allele origin: germline.
Comment: The p.E170A variant (also known as c.509A>C), located in coding exon 4 of the CTNNA1 gene, results from an A to C substitution at nucleotide position 509. The glutamic acid at codon 170 is replaced by alanine, an amino acid with dissimilar properties. This amino acid position is conserved. In addition, the in silico prediction for this alteration is inconclusive. Based on the available evidence, the clinical significance of this variant remains unclear.

NM_001903.5(CTNNA1):c.509A>C (p.Glu170Ala)

Gene: CTNNA1 (catenin alpha 1; plus strand). Cytogenetic location: 5q31.2.
Variant type: single nucleotide variant.
Coding change: c.509A>C on transcript NM_001903.5 (MANE Select); coding-DNA position 509, A replaced by C.
Protein change: p.Glu170Ala; replaces glutamic acid 170 with alanine.
Molecular consequence: missense variant.
Genome position (GRCh38, 1-based): chr5:138,812,223, A>C. VCF-style: chr5-138812223-A-C. GRCh37 (hg19) VCF-style: chr5-138147912-A-C.
Other names: c.509A>C, p.Glu170Ala (NM_001290307.3, NM_001323982.2, NM_001323983.1 and 3 more transcripts); c.200A>C, p.Glu67Ala (NM_001290309.3); c.140A>C, p.Glu47Ala (NM_001290310.3); short protein forms E170A, E47A, E67A.
Identifiers: ClinVar variation 5035019 (VCV005035019.1).
Genomic context (GRCh38, chr5:138,812,223, plus strand): 5'-GGGTCTTTCTTATTTTATAGGTGGAAGATGGTATCTTGAAGTTGAGGAATGCTGGCAATG[A>C]ACAAGACTTAGGAATCCAGTATAAAGCCCTAAAACCTGAAGTGGATAAGCTGAACATTAT-3'
Protein context (NP_001894.2, residues 160-180): GILKLRNAGN[Glu170Ala]QDLGIQYKAL